The following is an entry in ClinVar:

NM_001048174.2(MUTYH):c.14G>C (p.Arg5Pro)

Gene: MUTYH (mutY DNA glycosylase; minus strand). Cytogenetic location: 1p34.1.
Variant type: single nucleotide variant.
Coding change: c.14G>C on transcript NM_001048174.2 (MANE Select); coding-DNA position 14, G replaced by C.
Protein change: p.Arg5Pro; replaces arginine 5 with proline.
Molecular consequence: missense variant. On other transcripts: 5 prime UTR variant (4), non-coding transcript variant (2).
Genome position (GRCh38, 1-based): chr1:45,334,492, C>G on the plus strand (G>C on the coding strand, the complement: MUTYH is on the minus strand). VCF-style: chr1-45334492-C-G. GRCh37 (hg19) VCF-style: chr1-45800164-C-G.
Other names: c.14G>C, p.Arg5Pro (NM_001048171.2, NM_001048172.2, NM_001048173.2 and 2 more transcripts); c.56G>C, p.Arg19Pro (NM_001128425.2, NM_001293190.2, NM_012222.3); c.-199G>C (NM_001293192.2, NM_001293196.2); c.-258G>C (NM_001350650.2); c.-194G>C (NM_001350651.2); c.56G>C (NM_001128425.1); short protein forms R5P, R19P.
Identifiers: ClinVar variation 801480 (VCV000801480.2), dbSNP rs587780081, ClinGen allele CA340137251.
Genomic context (GRCh38, chr1:45,334,492, plus strand): 5'-TGCTTCTGCCTCCCTTCCTGGCTGGCTGCCTGCTTCCTGTGACCACTTCCCACGGCTGCT[C>G]GTGGCTTCCTCATGATGGCCTGAAACAAAAAGACCCAGCCAAAGCAGTCAGTCACAATGA-3'
Protein context (NP_001041639.1, residues 1-15): MRKP[Arg5Pro]AAVGSGHRKQ

ClinVar aggregate classification (germline): Uncertain significance. Review status: criteria provided, multiple submitters, no conflicts (2 of 4 stars). 2 submissions from 2 submitters: Uncertain significance (2). Last evaluated 2025-08-27.

Conditions:
Hereditary cancer-predisposing syndrome. Also called: Tumor predisposition; Hereditary Cancer Syndrome; Hereditary neoplastic syndrome; Neoplastic Syndromes, Hereditary. Identifiers: Orphanet 140162, MedGen C0027672, MeSH D009386, MONDO:0015356.
Familial adenomatous polyposis 2. Also called: MUTYH Polyposis; COLORECTAL ADENOMATOUS POLYPOSIS, AUTOSOMAL RECESSIVE; ADENOMAS, MULTIPLE COLORECTAL, AUTOSOMAL RECESSIVE; MUTYH-related attenuated familial adenomatous polyposis; FAP type 2; MUTYH-associated polyposis. Identifiers: Orphanet 220460, Orphanet 247798, MedGen C3272841, MONDO:0012041, OMIM 608456.

Submissions (2):

Ambry Genetics
Classification: Uncertain significance for Hereditary cancer-predisposing syndrome. Last evaluated: 2025-08-27. Review status: criteria provided, single submitter. Criteria: Ambry Variant Classification Scheme 2023. Collection method: clinical testing. Allele origin: germline.
Comment: The p.R19P variant (also known as c.56G>C), located in coding exon 2 of the MUTYH gene, results from a G to C substitution at nucleotide position 56. The arginine at codon 19 is replaced by proline, an amino acid with dissimilar properties. This amino acid position is conserved. In addition, this alteration is predicted to be tolerated by in silico analysis. Based on the available evidence, the clinical significance of this variant remains unclear.

Mendelics
Classification: Uncertain significance for Familial adenomatous polyposis 2. Last evaluated: 2019-05-28. Review status: criteria provided, single submitter. Criteria: Mendelics Assertion Criteria 2017. Collection method: clinical testing. Allele origin: unknown.